The following is an entry in ClinVar:

NM_004958.4(MTOR):c.4107+3G>A

Gene: MTOR (mechanistic target of rapamycin kinase; minus strand). Cytogenetic location: 1p36.22.
Variant type: single nucleotide variant.
Coding change: c.4107+3G>A on transcript NM_004958.4 (MANE Select); 3 bases into the intron after coding-DNA position 4107, G replaced by A.
Molecular consequence: intron variant.
Genome position (GRCh38, 1-based): chr1:11,199,538, C>T on the plus strand (G>A on the coding strand, the complement: MTOR is on the minus strand). VCF-style: chr1-11199538-C-T. GRCh37 (hg19) VCF-style: chr1-11259595-C-T.
Other names: c.2859+3G>A (NM_001386501.1); c.4107+3G>A (NM_001386500.1).
Identifiers: ClinVar variation 4809885 (VCV004809885.1).

ClinVar aggregate classification (germline): Uncertain significance (1 of 4 stars; one submission).

Submission:

Labcorp Genetics (formerly Invitae), Labcorp
Classification: Uncertain significance. Last evaluated: 2025-11-25. Review status: criteria provided, single submitter. Criteria: Invitae Variant Classification Sherloc (09022015). Collection method: clinical testing. Allele origin: germline.
Comment: This sequence change falls in intron 27 of the MTOR gene. It does not directly change the encoded amino acid sequence of the MTOR protein. It affects a nucleotide within the consensus splice site. This variant is not present in population databases (gnomAD no frequency). This variant has not been reported in the literature in individuals affected with MTOR-related conditions. Variants that disrupt the consensus splice site are a relatively common cause of aberrant splicing (PMID: 17576681, 9536098). Algorithms developed to predict the effect of sequence changes on RNA splicing suggest that this variant is not likely to affect RNA splicing. In summary, the available evidence is currently insufficient to determine the role of this variant in disease. Therefore, it has been classified as a Variant of Uncertain Significance.

Literature cited by the submitters: PubMed 17576681; PubMed 9536098.